The following is an entry in ClinVar:

ClinVar aggregate classification (germline): Uncertain significance (1 of 4 stars; one submission).

Submission:

Labcorp Genetics (formerly Invitae), Labcorp
Classification: Uncertain significance. Last evaluated: 2022-07-18. Review status: criteria provided, single submitter. Criteria: Invitae Variant Classification Sherloc (09022015). Collection method: clinical testing. Allele origin: germline.
Comment: In summary, the available evidence is currently insufficient to determine the role of this variant in disease. Therefore, it has been classified as a Variant of Uncertain Significance. Algorithms developed to predict the effect of missense changes on protein structure and function are either unavailable or do not agree on the potential impact of this missense change (SIFT: "Deleterious"; PolyPhen-2: "Benign"; Align-GVGD: "Class C0"). ClinVar contains an entry for this variant (Variation ID: 1044782). This variant has not been reported in the literature in individuals affected with CTNNA1-related conditions. This variant is not present in population databases (gnomAD no frequency). This sequence change replaces alanine, which is neutral and non-polar, with valine, which is neutral and non-polar, at codon 856 of the CTNNA1 protein (p.Ala856Val).

NM_001903.5(CTNNA1):c.2567C>T (p.Ala856Val)

Gene: CTNNA1 (catenin alpha 1; plus strand). Cytogenetic location: 5q31.2.
Variant type: single nucleotide variant.
Coding change: c.2567C>T on transcript NM_001903.5 (MANE Select); coding-DNA position 2567, C replaced by T.
Protein change: p.Ala856Val; replaces alanine 856 with valine.
Molecular consequence: missense variant. On other transcripts: 3 prime UTR variant (5).
Genome position (GRCh38, 1-based): chr5:138,933,935, C>T. VCF-style: chr5-138933935-C-T. GRCh37 (hg19) VCF-style: chr5-138269624-C-T.
Other names: c.1364C>T, p.Ala455Val (NM_001324011.1); c.1214C>T, p.Ala405Val (NM_001324012.1, NM_001324013.1); c.*112C>T (NM_001290307.3, NM_001324002.1, NM_001324003.1 and 2 more transcripts); c.2258C>T, p.Ala753Val (NM_001290309.3); c.2198C>T, p.Ala733Val (NM_001290310.3); c.1457C>T, p.Ala486Val (NM_001290312.1, NM_001323987.1, NM_001323988.1 and 12 more transcripts); c.2567C>T, p.Ala856Val (NM_001323982.2, NM_001323983.1, NM_001323984.2); c.2540C>T, p.Ala847Val (NM_001323985.2); and 3 more; short protein forms A373V, A441V, A825V, A847V, A455V, A733V, A856V, A405V.
Identifiers: ClinVar variation 1044782 (VCV001044782.8), dbSNP rs1765994387, ClinGen allele CA361135493.